The following is an entry in ClinVar:

NM_015102.5(NPHP4):c.625T>A (p.Ser209Thr)

Gene: NPHP4 (nephrocystin 4; minus strand). Cytogenetic location: 1p36.31.
Variant type: single nucleotide variant.
Coding change: c.625T>A on transcript NM_015102.5 (MANE Select); coding-DNA position 625, T replaced by A.
Protein change: p.Ser209Thr; replaces serine 209 with threonine.
Molecular consequence: missense variant. On other transcripts: 5 prime UTR variant (2), non-coding transcript variant (1).
Genome position (GRCh38, 1-based): chr1:5,961,842, A>T on the plus strand (T>A on the coding strand, the complement: NPHP4 is on the minus strand). VCF-style: chr1-5961842-A-T. GRCh37 (hg19) VCF-style: chr1-6021902-A-T.
Other names: c.-605T>A (NM_001291593.2); c.-742T>A (NM_001291594.2); short protein forms S209T.
Identifiers: ClinVar variation 1011325 (VCV001011325.7), dbSNP rs776658669, ClinGen allele CA554787.
Genomic context (GRCh38, chr1:5,961,842, plus strand): 5'-AGACGCCCTTACCGGATTCTCCATGAGCTGGAAGCAGGCCAGGTATCTGCTGCAGACCAG[A>T]CACCAGAAGGTTCTCAGGAAGAAGGTGGAACGCAGGCTCCAGGGCCGGGTGTGGCTTCAG-3'
Protein context (NP_055917.1, residues 199-219): FHLLPENLLV[Ser209Thr]GLQQIPGLLP

ClinVar aggregate classification (germline): Uncertain significance (1 of 4 stars; one submission).

Conditions:
Nephronophthisis. Also called: Juvenile Nephronophthisis. Identifiers: Orphanet 655, MedGen C0687120, MONDO:0019005, HP:0000090.

Allele frequency attached by ClinVar (database versions not stated): gnomAD exomes below 0.00001 and 0.00001; TOPMed below 0.00001; ExAC 0.00002.
gnomAD v4.1: 4 of 1,613,728 alleles (0.00025%); highest among the groups gnomAD compares: East Asian, 0.0089%; no homozygotes.

Submission:

Labcorp Genetics (formerly Invitae), Labcorp
Classification: Uncertain significance for Nephronophthisis. Last evaluated: 2025-08-21. Review status: criteria provided, single submitter. Criteria: Invitae Variant Classification Sherloc (09022015). Collection method: clinical testing. Allele origin: germline.
Comment: This sequence change replaces serine, which is neutral and polar, with threonine, which is neutral and polar, at codon 209 of the NPHP4 protein (p.Ser209Thr). This variant is present in population databases (rs776658669, gnomAD 0.02%). This variant has not been reported in the literature in individuals affected with NPHP4-related conditions. ClinVar contains an entry for this variant (Variation ID: 1011325). Invitae Evidence Modeling of protein sequence and biophysical properties (such as structural, functional, and spatial information, amino acid conservation, physicochemical variation, residue mobility, and thermodynamic stability) indicates that this missense variant is expected to disrupt NPHP4 protein function with a positive predictive value of 80%. In summary, the available evidence is currently insufficient to determine the role of this variant in disease. Therefore, it has been classified as a Variant of Uncertain Significance.